The following is an entry in ClinVar:

ClinVar aggregate classification (germline): Uncertain significance (1 of 4 stars; one submission).

Submission:

Ambry Genetics
Classification: Uncertain significance. Last evaluated: 2025-01-16. Review status: criteria provided, single submitter. Criteria: Ambry Variant Classification Scheme 2023. Collection method: clinical testing. Allele origin: germline.
Comment: The p.N1591H variant (also known as c.4771A>C), located in coding exon 37 of the MYOM1 gene, results from an A to C substitution at nucleotide position 4771. The asparagine at codon 1591 is replaced by histidine, an amino acid with similar properties. This amino acid position is conserved. In addition, this alteration is predicted to be tolerated by in silico analysis. Based on the available evidence, the clinical significance of this variant remains unclear.

NM_003803.4(MYOM1):c.4771A>C (p.Asn1591His)

Gene: MYOM1 (myomesin 1; minus strand). Cytogenetic location: 18p11.31.
Variant type: single nucleotide variant.
Coding change: c.4771A>C on transcript NM_003803.4 (MANE Select); coding-DNA position 4771, A replaced by C.
Protein change: p.Asn1591His; replaces asparagine 1591 with histidine.
Molecular consequence: missense variant.
Genome position (GRCh38, 1-based): chr18:3,067,549, T>G on the plus strand (A>C on the coding strand, the complement: MYOM1 is on the minus strand). VCF-style: chr18-3067549-T-G. GRCh37 (hg19) VCF-style: chr18-3067547-T-G.
Other names: c.4483A>C, p.Asn1495His (NM_019856.2); short protein forms N1591H, N1495H.
Identifiers: ClinVar variation 3877141 (VCV003877141.1).